The following is an entry in ClinVar:

NM_005559.4(LAMA1):c.3946G>A (p.Asp1316Asn)

Gene: LAMA1 (laminin subunit alpha 1; minus strand). Cytogenetic location: 18p11.31.
Variant type: single nucleotide variant.
Coding change: c.3946G>A on transcript NM_005559.4 (MANE Select); coding-DNA position 3946, G replaced by A.
Protein change: p.Asp1316Asn; replaces aspartic acid 1316 with asparagine.
Molecular consequence: missense variant.
Genome position (GRCh38, 1-based): chr18:7,009,294, C>T on the plus strand (G>A on the coding strand, the complement: LAMA1 is on the minus strand). VCF-style: chr18-7009294-C-T. GRCh37 (hg19) VCF-style: chr18-7009293-C-T.
Other names: p.Asp1316Asn; short protein forms D1316N.
Identifiers: ClinVar variation 780170 (VCV000780170.40), dbSNP rs149753863, ClinGen allele CA8882091.

ClinVar aggregate classification (germline): Benign/Likely benign. Review status: criteria provided, multiple submitters, no conflicts (2 of 4 stars). 6 submissions from 6 submitters: Benign (3); Likely benign (2). 1 of the submissions does not count toward it. Last evaluated 2026-04-01.

Conditions:
LAMA1-related disorder. Also called: LAMA1-related condition; LAMA1-related disorders.

Allele frequency attached by ClinVar (database versions not stated): 1000 Genomes Project 0.00040; 1000 Genomes Project 30x 0.00062; ExAC 0.00181; gnomAD 0.00182 and 0.00183; gnomAD exomes 0.00182 and 0.00224; TOPMed 0.00196; ESP Exome Variant Server 0.00208.
gnomAD v4.1: 3,514 of 1,613,450 alleles (0.22%); highest among the groups gnomAD compares: Non-Finnish European, 0.27%; 7 homozygotes.

Submissions (6):

CeGaT Center for Human Genetics Tuebingen
Classification: Likely benign. Last evaluated: 2026-04-01. Review status: criteria provided, single submitter. Criteria: CeGaT Center For Human Genetics Tuebingen Variant Classification Criteria Version 2. Collection method: clinical testing. Allele origin: germline. Affected: yes. Observed: 7 variant alleles.
Comment: LAMA1: BP4

Labcorp Genetics (formerly Invitae), Labcorp
Classification: Benign. Last evaluated: 2026-01-15. Review status: criteria provided, single submitter. Criteria: Invitae Variant Classification Sherloc (09022015). Collection method: clinical testing. Allele origin: germline.

Blueprint Genetics
Classification: Likely benign. Last evaluated: 2024-10-24. Review status: criteria provided, single submitter. Criteria: ACMG Guidelines, 2015. Collection method: clinical testing. Allele origin: germline.

Mayo Clinic Laboratories, Mayo Clinic
Classification: Benign. Last evaluated: 2024-10-15. Review status: criteria provided, single submitter. Criteria: ACMG Guidelines, 2015. Collection method: clinical testing. Allele origin: germline. Observed: 5 variant alleles.
Comment: BS1, BS2, BP4

Breakthrough Genomics
Classification: Benign. Review status: criteria provided, single submitter. Criteria: ACMG Guidelines, 2015. Collection method: not provided. Allele origin: germline. Inheritance: Autosomal recessive inheritance. Affected: yes.

PreventionGenetics, part of Exact Sciences
Classification: Likely benign for LAMA1-related condition. Last evaluated: 2022-07-14. Review status: no assertion criteria provided. Collection method: clinical testing. Allele origin: germline. Not counted in ClinVar's aggregate classification.
Comment: This variant is classified as likely benign based on ACMG/AMP sequence variant interpretation guidelines (Richards et al. 2015 PMID: 25741868, with internal and published modifications).